The following is an entry in ClinVar:

NM_001365951.3(KIF1B):c.3734A>G (p.Gln1245Arg)

Gene: KIF1B (kinesin family member 1B; plus strand). Cytogenetic location: 1p36.22.
Variant type: single nucleotide variant.
Coding change: c.3734A>G on transcript NM_001365951.3 (MANE Select); coding-DNA position 3734, A replaced by G.
Protein change: p.Gln1245Arg; replaces glutamine 1245 with arginine.
Molecular consequence: missense variant.
Genome position (GRCh38, 1-based): chr1:10,345,890, A>G. VCF-style: chr1-10345890-A-G. GRCh37 (hg19) VCF-style: chr1-10405948-A-G.
Other names: c.3734A>G, p.Gln1245Arg (NM_001365952.1); c.3596A>G, p.Gln1199Arg (NM_015074.3); short protein forms Q1245R, Q1199R.
Identifiers: ClinVar variation 3533989 (VCV003533989.1).

ClinVar aggregate classification (germline): Uncertain significance (1 of 4 stars; one submission).

gnomAD v4.1: 2 of 1,614,234 alleles (0.00012%); highest among the groups gnomAD compares: Non-Finnish European, 0.00017%; no homozygotes.

Submission:

Ambry Genetics
Classification: Uncertain significance. Last evaluated: 2024-08-22. Review status: criteria provided, single submitter. Criteria: Ambry Variant Classification Scheme 2023. Collection method: clinical testing. Allele origin: germline.
Comment: The p.Q1199R variant (also known as c.3596A>G), located in coding exon 32 of the KIF1B gene, results from an A to G substitution at nucleotide position 3596. The glutamine at codon 1199 is replaced by arginine, an amino acid with highly similar properties. This amino acid position is conserved. In addition, the in silico prediction for this alteration is inconclusive. Based on the available evidence, the clinical significance of this variant remains unclear.